The following is an entry in ClinVar:

NM_001356.5(DDX3X):c.1135_1136del (p.Met379fs)

Gene: DDX3X (DEAD-box helicase 3 X-linked; plus strand). Cytogenetic location: Xp11.4.
Variant type: Deletion.
Coding change: c.1135_1136del on transcript NM_001356.5 (MANE Select); coding-DNA positions 1135 to 1136, 2 bases deleted (AT; older notation c.1135_1136delAT).
Protein change: p.Met379fs; shifts the reading frame from methionine 379.
Molecular consequence: frameshift variant. On other transcripts: non-coding transcript variant (1).
Genome position (GRCh38, 1-based): chrX:41,345,289-41,345,290, AT deleted; deleting any 2 consecutive bases within chrX:41,345,288-41,345,290 gives the same sequence; the c. name uses the placement nearest the transcript's 3' end. VCF-style (leftmost placement, unchanged base first): chrX-41345287-CTA-C. GRCh37 (hg19) VCF-style: chrX-41204540-CTA-C.
Other names: c.1135_1136del, p.Met379fs (NM_001193416.3); c.1087_1088del, p.Met363fs (NM_001193417.3); c.577_578del, p.Met193fs (NM_001363819.1); short protein forms M193fs, M363fs, M379fs.
Identifiers: ClinVar variation 3062043 (VCV003062043.1), dbSNP rs2519518660, ClinGen allele CA2740092110.

ClinVar aggregate classification (germline): Pathogenic (1 of 4 stars; one submission).

Conditions:
Intellectual disability, X-linked 102 (MRXSSB). Also called: Intellectual developmental disorder, X-linked syndromic, Snijders Blok type. Identifiers: Orphanet 457260, MedGen C5393299, MONDO:0010497, OMIM 300958.

Submission:

Illumina Laboratory Services, Illumina
Classification: Pathogenic for Intellectual disability, X-linked 102. Last evaluated: 2019-01-14. Review status: criteria provided, single submitter. Criteria: ICSLVariantClassificationCriteria RUGD 01 April 2020. Collection method: clinical testing. Allele origin: unknown.
Comment: The DDX3X c.1135_1136delAT p.(Met379AspfsTer3) variant is a frameshift variant predicted to result in premature truncation of the protein. A literature search was performed for the gene, cDNA change, and amino acid change. No publications were found based on this search. This variant is not observed in version 2.1.1 of the Genome Aggregation Database. Based on the available evidence, the c.1135_1136delAT p.(Met379AspfsTer3) variant is classified as pathogenic for X-linked syndromic intellectual developmental disorder, Snijders Blok type.